The following is an entry in ClinVar:

ClinVar aggregate classification (germline): Uncertain significance. Review status: criteria provided, multiple submitters, no conflicts (2 of 4 stars). 2 submissions from 2 submitters: Uncertain significance (2). Last evaluated 2025-03-20.

Conditions:
Hereditary pheochromocytoma and paraganglioma. Also called: Hereditary paragangliomas and pheochromocytomas; Hereditary Paraganglioma-Pheochromocytoma Syndromes; Hereditary pheochromocytoma-paraganglioma. Identifiers: Orphanet 29072, MedGen C4274332, MONDO:0017366.
Hereditary cancer-predisposing syndrome. Also called: Tumor predisposition; Hereditary Cancer Syndrome; Hereditary neoplastic syndrome; Neoplastic Syndromes, Hereditary. Identifiers: Orphanet 140162, MedGen C0027672, MeSH D009386, MONDO:0015356.

Submissions (2):

Ambry Genetics
Classification: Uncertain significance for Hereditary cancer-predisposing syndrome. Last evaluated: 2025-03-20. Review status: criteria provided, single submitter. Criteria: Ambry Variant Classification Scheme 2023. Collection method: clinical testing. Allele origin: germline.
Comment: The p.E13G variant (also known as c.38A>G), located in coding exon 2 of the MAX gene, results from an A to G substitution at nucleotide position 38. The glutamic acid at codon 13 is replaced by glycine, an amino acid with similar properties. This amino acid position is conserved. In addition, the in silico prediction for this alteration is inconclusive. Based on the available evidence, the clinical significance of this variant remains unclear.

Labcorp Genetics (formerly Invitae), Labcorp
Classification: Uncertain significance for Hereditary pheochromocytoma and paraganglioma. Last evaluated: 2022-06-26. Review status: criteria provided, single submitter. Criteria: Invitae Variant Classification Sherloc (09022015). Collection method: clinical testing. Allele origin: germline.
Comment: In summary, the available evidence is currently insufficient to determine the role of this variant in disease. Therefore, it has been classified as a Variant of Uncertain Significance. Algorithms developed to predict the effect of missense changes on protein structure and function are either unavailable or do not agree on the potential impact of this missense change (SIFT: "Deleterious"; PolyPhen-2: "Benign"; Align-GVGD: "Class C0"). This variant has not been reported in the literature in individuals affected with MAX-related conditions. This variant is not present in population databases (gnomAD no frequency). This sequence change replaces glutamic acid, which is acidic and polar, with glycine, which is neutral and non-polar, at codon 13 of the MAX protein (p.Glu13Gly).

NM_002382.5(MAX):c.38A>G (p.Glu13Gly)

Gene: MAX (MYC associated transcriptional regulator X; minus strand). Cytogenetic location: 14q23.3.
Variant type: single nucleotide variant.
Coding change: c.38A>G on transcript NM_002382.5 (MANE Select); coding-DNA position 38, A replaced by G.
Protein change: p.Glu13Gly; replaces glutamic acid 13 with glycine.
Molecular consequence: missense variant. On other transcripts: 5 prime UTR variant (1), intron variant (3).
Genome position (GRCh38, 1-based): chr14:65,101,571, T>C on the plus strand (A>G on the coding strand, the complement: MAX is on the minus strand). VCF-style: chr14-65101571-T-C. GRCh37 (hg19) VCF-style: chr14-65568289-T-C.
Other names: c.-237A>G (NM_001320415.2, NM_001407105.1, NM_001407106.1); c.38A>G, p.Glu13Gly (NM_001407094.1, NM_001407096.1, NM_001407097.1 and 6 more transcripts); c.-330A>G (NM_001407111.1); c.61A>G, p.Lys21Glu (NM_001407114.1); c.36+733A>G (NM_001271069.2, NM_145112.3, NM_001271068.2); short protein forms E13G, K21E.
Identifiers: ClinVar variation 2011239 (VCV002011239.5), dbSNP rs2504510560, ClinGen allele CA390038823.